The following is an entry in ClinVar:

ClinVar aggregate classification (germline): Benign/Likely benign. Review status: criteria provided, multiple submitters, no conflicts (2 of 4 stars). 4 submissions from 4 submitters: Benign (1); Likely benign (1). 2 of the submissions do not count toward it. Last evaluated 2026-02-02.

Conditions:
Pulmonary fibrosis and/or bone marrow failure, Telomere-related, 3. Also called: PULMONARY FIBROSIS AND/OR BONE MARROW FAILURE SYNDROME, TELOMERE-RELATED, 3. Identifiers: Orphanet 2032, MedGen C4225346, MONDO:0014613, OMIM 616373.
Dyskeratosis congenita, autosomal recessive 5 (DKCB5). Identifiers: MedGen C3554656, MONDO:0014076, OMIM 615190.
Dyskeratosis congenita. Identifiers: Orphanet 1775, MedGen C0265965, MONDO:0015780.
RTEL1-related disorder. Also called: RTEL1-related disorders; RTEL1-related condition.

Allele frequency attached by ClinVar (database versions not stated): gnomAD exomes 0.00102 and 0.00265; ExAC 0.00358; gnomAD 0.01061 and 0.01145; 1000 Genomes Project 30x 0.01109; 1000 Genomes Project 0.01118; ESP Exome Variant Server 0.01136; TOPMed 0.01247.

Submissions (4):

Labcorp Genetics (formerly Invitae), Labcorp
Classification: Benign for Dyskeratosis congenita, autosomal recessive 5; Pulmonary fibrosis and/or bone marrow failure, Telomere-related, 3. Last evaluated: 2026-02-02. Review status: criteria provided, single submitter. Criteria: Invitae Variant Classification Sherloc (09022015). Collection method: clinical testing. Allele origin: germline.

GeneDx
Classification: Likely benign. Last evaluated: 2021-03-23. Review status: criteria provided, single submitter. Criteria: GeneDx Variant Classification Process June 2021. Collection method: clinical testing. Allele origin: germline. Affected: yes.

Natera, Inc.
Classification: Likely benign for Dyskeratosis congenita. Last evaluated: 2019-09-27. Review status: no assertion criteria provided. Collection method: clinical testing. Allele origin: germline. Not counted in ClinVar's aggregate classification.

PreventionGenetics, part of Exact Sciences
Classification: Benign for RTEL1-related condition. Last evaluated: 2019-07-08. Review status: no assertion criteria provided. Collection method: clinical testing. Allele origin: germline. Not counted in ClinVar's aggregate classification.
Comment: This variant is classified as benign based on ACMG/AMP sequence variant interpretation guidelines (Richards et al. 2015 PMID: 25741868, with internal and published modifications).

NM_001283009.2(RTEL1):c.1192-9del

Genes: RTEL1 (regulator of telomere elongation helicase 1; plus strand), RTEL1-TNFRSF6B (RTEL1-TNFRSF6B readthrough (NMD candidate); plus strand). Cytogenetic location: 20q13.33.
Variant type: Deletion.
Coding change: c.1192-9del on transcript NM_001283009.2 (MANE Select); 9 bases into the intron before coding-DNA position 1192, one base deleted (G; older notation c.1192-9delG).
Molecular consequence: intron variant.
Genome position (GRCh38, 1-based): chr20:63,685,514, G deleted. VCF-style (leftmost placement, unchanged base first): chr20-63685513-TG-T. GRCh37 (hg19) VCF-style: chr20-62316866-TG-T.
Other names: c.1264-9delG (NM_032957.4); c.523-9del (NM_001283010.1); c.1264-9del (NM_032957.5); c.1192-9del (NM_016434.4).
Identifiers: ClinVar variation 473903 (VCV000473903.17), dbSNP rs200008996, ClinGen allele CA9964673.